The following is an entry in ClinVar:

NM_006432.5(NPC2):c.363+117_363+118insAGC

Gene: NPC2 (NPC intracellular cholesterol transporter 2; minus strand). Cytogenetic location: 14q24.3.
Variant type: Insertion.
Coding change: c.363+117_363+118insAGC on transcript NM_006432.5 (MANE Select); bases 117 to 118 of the intron after coding-DNA position 363, AGC inserted.
Molecular consequence: intron variant.
Genome position: GRCh38 VCF-style: chr14-74484297-T-TCTG. GRCh37 (hg19) VCF-style: chr14-74951000-T-TCTG.
Other names: c.363+117_363+118insAGC (NM_001363688.1, NM_001375440.1).
Identifiers: ClinVar variation 680698 (VCV000680698.1), dbSNP rs112636832, ClinGen allele CA263660740.
Genomic context (GRCh38, chr14:74,484,297, plus strand): 5'-AAAAAGACCTGCCCTACCTCCTGATGCCTAACACCGCACCTATCTCCTTTCCCTCGGGCT[T>TCTG]CTTCTTCATCATAGAGATAAGGGGCCCTTTACCCCCATCTCTGCTTCTTGCCCACTGCCC-3'

ClinVar aggregate classification (germline): Benign (1 of 4 stars; one submission).

Submission:

GeneDx
Classification: Benign. Last evaluated: 2018-06-19. Review status: criteria provided, single submitter. Criteria: GeneDx Variant Classification (06012015). Collection method: clinical testing. Allele origin: germline. Affected: yes.
Comment: This variant is considered likely benign or benign based on one or more of the following criteria: it is a conservative change, it occurs at a poorly conserved position in the protein, it is predicted to be benign by multiple in silico algorithms, and/or has population frequency not consistent with disease.